The following is an entry in ClinVar:

NM_017780.4(CHD7):c.8411C>T (p.Ala2804Val)

Gene: CHD7 (chromodomain helicase DNA binding protein 7; plus strand). Cytogenetic location: 8q12.2.
Variant type: single nucleotide variant.
Coding change: c.8411C>T on transcript NM_017780.4 (MANE Select); coding-DNA position 8411, C replaced by T.
Protein change: p.Ala2804Val; replaces alanine 2804 with valine.
Molecular consequence: missense variant.
Genome position (GRCh38, 1-based): chr8:60,865,350, C>T. VCF-style: chr8-60865350-C-T. GRCh37 (hg19) VCF-style: chr8-61777909-C-T.
Other names: c.2264C>T, p.Ala755Val (NM_001316690.1); short protein forms A2804V, A755V.
Identifiers: ClinVar variation 1303999 (VCV001303999.5), dbSNP rs770781688, ClinGen allele CA4761006.

ClinVar aggregate classification (germline): Uncertain significance. Review status: criteria provided, multiple submitters, no conflicts (2 of 4 stars). 3 submissions from 3 submitters: Uncertain significance (3). Last evaluated 2024-09-04.

Conditions:
CHARGE syndrome (CHARGE). Also called: Hittner Hirsch Kreh syndrome; CHARGE ASSOCIATION--COLOBOMA, HEART ANOMALY, CHOANAL ATRESIA, RETARDATION, GENITAL AND EAR ANOMALIES; Coloboma, heart anomaly, choanal atresia, retardation, genital and ear anomalies; CHARGE association; Hall-Hittner syndrome. Identifiers: Orphanet 138, MedGen C0265354, MONDO:0008965.
Hypogonadotropic hypogonadism 5 with or without anosmia (KAL5). Also called: HYPOGONADOTROPIC HYPOGONADISM 5 WITH ANOSMIA; CHD7-Related GnRH Deficiency (Kallmann Syndrome 5); HYPOGONADOTROPHIC HYPOGONADISM 5 WITHOUT ANOSMIA. Identifiers: Orphanet 478, MedGen C3552553, MONDO:0012880, OMIM 612370. Disease mechanism: loss of function.

Allele frequency attached by ClinVar (database versions not stated): gnomAD exomes below 0.00001; ExAC 0.00002.
gnomAD v4.1: 6 of 1,610,378 alleles (0.00037%); highest among the groups gnomAD compares: South Asian, 0.0022%; no homozygotes.

Submissions (3):

Labcorp Genetics (formerly Invitae), Labcorp
Classification: Uncertain significance for CHARGE syndrome. Last evaluated: 2024-09-04. Review status: criteria provided, single submitter. Criteria: Invitae Variant Classification Sherloc (09022015). Collection method: clinical testing. Allele origin: germline.
Comment: This sequence change replaces alanine, which is neutral and non-polar, with valine, which is neutral and non-polar, at codon 2804 of the CHD7 protein (p.Ala2804Val). The frequency data for this variant in the population databases is considered unreliable, as metrics indicate poor data quality at this position in the gnomAD database. This variant has not been reported in the literature in individuals affected with CHD7-related conditions. ClinVar contains an entry for this variant (Variation ID: 1303999). Invitae Evidence Modeling of protein sequence and biophysical properties (such as structural, functional, and spatial information, amino acid conservation, physicochemical variation, residue mobility, and thermodynamic stability) indicates that this missense variant is not expected to disrupt CHD7 protein function with a negative predictive value of 95%. In summary, the available evidence is currently insufficient to determine the role of this variant in disease. Therefore, it has been classified as a Variant of Uncertain Significance.

Fulgent Genetics
Classification: Uncertain significance for CHD7-related CHARGE syndrome; Hypogonadotropic hypogonadism 5 with or without anosmia. Last evaluated: 2022-03-20. Review status: criteria provided, single submitter. Criteria: ACMG Guidelines, 2015. Collection method: clinical testing. Allele origin: unknown.

GeneDx
Classification: Uncertain significance. Last evaluated: 2020-07-31. Review status: criteria provided, single submitter. Criteria: GeneDx Variant Classification Process June 2021. Collection method: clinical testing. Allele origin: germline. Affected: yes.
Comment: Not observed at a significant frequency in large population cohorts (Lek et al., 2016); In silico analysis supports that this missense variant has a deleterious effect on protein structure/function; Has not been previously published as pathogenic or benign to our knowledge